The following is an entry in ClinVar:

ClinVar aggregate classification (germline): Uncertain significance. Review status: criteria provided, multiple submitters, no conflicts (2 of 4 stars). 2 submissions from 2 submitters: Uncertain significance (2). Last evaluated 2025-11-26.

Conditions:
TRAP1-related disorder. Also called: TRAP1-related condition.

Allele frequency attached by ClinVar (database versions not stated): 1000 Genomes Project 0.00060; ESP Exome Variant Server 0.00069; 1000 Genomes Project 30x 0.00078.
gnomAD v4.1: 1,653 of 1,614,008 alleles (0.1%); highest among the groups gnomAD compares: Middle Eastern, 0.18%; 6 homozygotes.

Submissions (2):

PreventionGenetics, part of Exact Sciences
Classification: Uncertain significance for TRAP1-related condition. Last evaluated: 2025-11-26. Review status: criteria provided, single submitter. Criteria: ACMG Guidelines, 2015. Collection method: clinical testing. Allele origin: germline.
Comment: The TRAP1 c.1946C>T variant is predicted to result in the amino acid substitution p.Ala649Val. To our knowledge, this variant has not been reported in the literature. This variant is reported in 0.091% of alleles in individuals of European (Non-Finnish) descent in gnomAD. Although we suspect that this variant may be benign, at this time, the clinical significance of this variant is uncertain due to the absence of conclusive functional and genetic evidence.

Labcorp Genetics (formerly Invitae), Labcorp
Classification: Uncertain significance. Last evaluated: 2025-09-04. Review status: criteria provided, single submitter. Criteria: Invitae Variant Classification Sherloc (09022015). Collection method: clinical testing. Allele origin: germline.
Comment: This sequence change replaces alanine, which is neutral and non-polar, with valine, which is neutral and non-polar, at codon 649 of the TRAP1 protein (p.Ala649Val). This variant is present in population databases (rs147353660, gnomAD 0.09%), and has an allele count higher than expected for a pathogenic variant. This variant has not been reported in the literature in individuals affected with TRAP1-related conditions. ClinVar contains an entry for this variant (Variation ID: 2713169). Invitae Evidence Modeling of protein sequence and biophysical properties (such as structural, functional, and spatial information, amino acid conservation, physicochemical variation, residue mobility, and thermodynamic stability) indicates that this missense variant is not expected to disrupt TRAP1 protein function with a negative predictive value of 80%. In summary, the available evidence is currently insufficient to determine the role of this variant in disease. Therefore, it has been classified as a Variant of Uncertain Significance.

NM_016292.3(TRAP1):c.1946C>T (p.Ala649Val)

Genes: DNASE1 (deoxyribonuclease 1; plus strand), TRAP1 (TNF receptor associated protein 1; minus strand). Cytogenetic location: 16p13.3.
Variant type: single nucleotide variant.
Coding change: c.1946C>T on transcript NM_016292.3 (MANE Select); coding-DNA position 1946, C replaced by T.
Protein change: p.Ala649Val; replaces alanine 649 with valine.
Molecular consequence: missense variant. On other transcripts: intron variant (1).
Genome position (GRCh38, 1-based): chr16:3,658,860, G>A on the plus strand (C>T on the coding strand, the complement: TRAP1 is on the minus strand). VCF-style: chr16-3658860-G-A. GRCh37 (hg19) VCF-style: chr16-3708861-G-A.
Other names: c.1787C>T, p.Ala596Val (NM_001272049.2); c.*21+993G>A (NM_001387140.1); short protein forms A596V, A649V.
Identifiers: ClinVar variation 2713169 (VCV002713169.4), dbSNP rs147353660, ClinGen allele CA7867720.
Genomic context (GRCh38, chr16:3,658,860, plus strand): 5'-ACCAGCAGCTGAGCCAGGCCAGGCTCGCTTGCGCGCAGCTGATTCAGCTTCTTGATGAGC[G>A]CGTGCCTGCAACACAGAACCCACCAGAAAAAGCAGCTCAGTACCACGTGCTGTGACCCTC-3'
Protein context (NP_057376.2, residues 639-659): QPTLEINPRH[Ala649Val]LIKKLNQLRA